The following is an entry in ClinVar:

ClinVar aggregate classification (germline): Uncertain significance. Review status: criteria provided, multiple submitters, no conflicts (2 of 4 stars). 2 submissions from 2 submitters: Uncertain significance (2). Last evaluated 2025-09-29.

Conditions:
Hereditary cancer-predisposing syndrome. Also called: Neoplastic Syndromes, Hereditary; Hereditary Cancer Syndrome; Tumor predisposition; Hereditary neoplastic syndrome. Identifiers: Orphanet 140162, MedGen C0027672, MeSH D009386, MONDO:0015356.

Allele frequency attached by ClinVar (database versions not stated): gnomAD exomes below 0.00001; gnomAD 0.00001.
gnomAD v4.1: 2 of 1,613,882 alleles (0.00012%); highest among the groups gnomAD compares: Non-Finnish European, 0.00017%; no homozygotes.

Submissions (2):

Ambry Genetics
Classification: Uncertain significance for Hereditary cancer-predisposing syndrome. Last evaluated: 2025-09-29. Review status: criteria provided, single submitter. Criteria: Ambry Variant Classification Scheme 2023. Collection method: clinical testing. Allele origin: germline.
Comment: The p.E772G variant (also known as c.2315A>G), located in coding exon 14 of the RAD50 gene, results from an A to G substitution at nucleotide position 2315. The glutamic acid at codon 772 is replaced by glycine, an amino acid with similar properties. This amino acid position is highly conserved in available vertebrate species. In addition, this alteration is predicted to be deleterious by in silico analysis. Since supporting evidence is limited at this time, the clinical significance of this alteration remains unclear.

Labcorp Genetics (formerly Invitae), Labcorp
Classification: Uncertain significance for Hereditary cancer-predisposing syndrome. Last evaluated: 2024-04-16. Review status: criteria provided, single submitter. Criteria: Invitae Variant Classification Sherloc (09022015). Collection method: clinical testing. Allele origin: germline.
Comment: This sequence change replaces glutamic acid, which is acidic and polar, with glycine, which is neutral and non-polar, at codon 772 of the RAD50 protein (p.Glu772Gly). This variant is not present in population databases (gnomAD no frequency). This variant has not been reported in the literature in individuals affected with RAD50-related conditions. ClinVar contains an entry for this variant (Variation ID: 1039928). Advanced modeling of protein sequence and biophysical properties (such as structural, functional, and spatial information, amino acid conservation, physicochemical variation, residue mobility, and thermodynamic stability) performed at Invitae indicates that this missense variant is expected to disrupt RAD50 protein function with a positive predictive value of 80%. In summary, the available evidence is currently insufficient to determine the role of this variant in disease. Therefore, it has been classified as a Variant of Uncertain Significance.

NM_005732.4(RAD50):c.2315A>G (p.Glu772Gly)

Gene: RAD50 (RAD50 double strand break repair protein; plus strand). Cytogenetic location: 5q31.1.
Variant type: single nucleotide variant.
Coding change: c.2315A>G on transcript NM_005732.4 (MANE Select); coding-DNA position 2315, A replaced by G.
Protein change: p.Glu772Gly; replaces glutamic acid 772 with glycine.
Molecular consequence: missense variant.
Genome position (GRCh38, 1-based): chr5:132,603,407, A>G. VCF-style: chr5-132603407-A-G. GRCh37 (hg19) VCF-style: chr5-131939099-A-G.
Other names: short protein forms E772G.
Identifiers: ClinVar variation 1039928 (VCV001039928.10), dbSNP rs1750923277, ClinGen allele CA360954588.
Genomic context (GRCh38, chr5:132,603,407, plus strand): 5'-ACAAACTGCAGAATGTCAATAGAGACATACAGCGCCTAAAGAACGACATAGAAGAACAAG[A>G]AACACTCTTGGGTACAATAATGCCTGAAGAAGAAAGTGCCAAAGTATGCCTGACAGATGT-3'
Protein context (NP_005723.2, residues 762-782): QRLKNDIEEQ[Glu772Gly]TLLGTIMPEE